The following is an entry in ClinVar:

NM_004104.5(FASN):c.1574A>T (p.Glu525Val)

Gene: FASN (fatty acid synthase; minus strand). Cytogenetic location: 17q25.3.
Variant type: single nucleotide variant.
Coding change: c.1574A>T on transcript NM_004104.5 (MANE Select); coding-DNA position 1574, A replaced by T.
Protein change: p.Glu525Val; replaces glutamic acid 525 with valine.
Molecular consequence: missense variant.
Genome position (GRCh38, 1-based): chr17:82,090,988, T>A on the plus strand (A>T on the coding strand, the complement: FASN is on the minus strand). VCF-style: chr17-82090988-T-A. GRCh37 (hg19) VCF-style: chr17-80048864-T-A.
Other names: short protein forms E525V.
Identifiers: ClinVar variation 1045309 (VCV001045309.8), dbSNP rs2034194810, ClinGen allele CA401560160.

ClinVar aggregate classification (germline): Uncertain significance (1 of 4 stars; one submission).

Conditions:
Epileptic encephalopathy. Identifiers: MedGen C0543888, HP:0200134.

Submission:

Labcorp Genetics (formerly Invitae), Labcorp
Classification: Uncertain significance for Epileptic encephalopathy. Last evaluated: 2022-08-09. Review status: criteria provided, single submitter. Criteria: Invitae Variant Classification Sherloc (09022015). Collection method: clinical testing. Allele origin: germline.
Comment: This variant has not been reported in the literature in individuals affected with FASN-related conditions. In summary, the available evidence is currently insufficient to determine the role of this variant in disease. Therefore, it has been classified as a Variant of Uncertain Significance. Algorithms developed to predict the effect of sequence changes on RNA splicing suggest that this variant may disrupt the consensus splice site. Algorithms developed to predict the effect of missense changes on protein structure and function are either unavailable or do not agree on the potential impact of this missense change (SIFT: "Deleterious"; PolyPhen-2: "Benign"; Align-GVGD: "Class C0"). ClinVar contains an entry for this variant (Variation ID: 1045309). This variant is not present in population databases (gnomAD no frequency). This sequence change replaces glutamic acid, which is acidic and polar, with valine, which is neutral and non-polar, at codon 525 of the FASN protein (p.Glu525Val).